The following is an entry in ClinVar:

NM_004204.5(PIGQ):c.968_969del (p.Leu323fs)

Gene: PIGQ (phosphatidylinositol glycan anchor biosynthesis class Q; plus strand). Cytogenetic location: 16p13.3.
Variant type: Deletion.
Coding change: c.968_969del on transcript NM_004204.5 (MANE Select); coding-DNA positions 968 to 969, 2 bases deleted (TG; older notation c.968_969delTG).
Protein change: p.Leu323fs; shifts the reading frame from leucine 323.
Molecular consequence: frameshift variant.
Genome position (GRCh38, 1-based): chr16:578,404-578,405, TG deleted. VCF-style (leftmost placement, unchanged base first): chr16-578403-CTG-C. GRCh37 (hg19) VCF-style: chr16-628403-CTG-C.
Other names: c.968_969del (NM_004204.3); c.968_969del, p.Leu323fs (NM_148920.4); c.968_969delTG (NM_004204.5); short protein forms L323fs.
Identifiers: ClinVar variation 520669 (VCV000520669.16), dbSNP rs747661902, ClinGen allele CA7780065.

ClinVar aggregate classification (germline): Pathogenic. Review status: criteria provided, multiple submitters, no conflicts (2 of 4 stars). 5 submissions from 5 submitters: Pathogenic (4). 1 of the submissions does not count toward it. Last evaluated 2026-01-19.

Conditions:
Inborn genetic diseases. Identifiers: MedGen C0950123, MeSH D030342.
PIGQ-related disorder. Also called: PIGQ-related condition.
Developmental and epileptic encephalopathy, 77. Also called: EPILEPTIC ENCEPHALOPATHY, EARLY INFANTILE, 77; GLYCOSYLPHOSPHATIDYLINOSITOL BIOSYNTHESIS DEFECT 19; MULTIPLE CONGENITAL ANOMALIES-HYPOTONIA-SEIZURES SYNDROME 4. Identifiers: MedGen C5231405, MONDO:0032808, OMIM 618548.
Epilepsy. Also called: Seizure disorder. Identifiers: MedGen C0014544, MeSH D004827, MONDO:0005027.

Allele frequency attached by ClinVar (database versions not stated): TOPMed 0.00001; gnomAD 0.00002; ExAC 0.00003; gnomAD exomes 0.00003.

Submissions (5):

Labcorp Genetics (formerly Invitae), Labcorp
Classification: Pathogenic for Epilepsy. Last evaluated: 2026-01-19. Review status: criteria provided, single submitter. Criteria: Invitae Variant Classification Sherloc (09022015). Collection method: clinical testing. Allele origin: germline.
Comment: This sequence change creates a premature translational stop signal (p.Leu323Profs*119) in the PIGQ gene. It is expected to result in an absent or disrupted protein product. Loss-of-function variants in PIGQ are known to be pathogenic (PMID: 24463883, 25558065). This variant is present in population databases (rs747661902, gnomAD 0.005%). This premature translational stop signal has been observed in individual(s) with PIGQ-related conditions (PMID: 31148362). ClinVar contains an entry for this variant (Variation ID: 520669). For these reasons, this variant has been classified as Pathogenic.

First Genomix Gene Laboratory, Genetic Diagnostics Department
Classification: Pathogenic for Developmental and epileptic encephalopathy, 77. Last evaluated: 2025-07-29. Review status: criteria provided, single submitter. Criteria: ACMG Guidelines, 2015. Collection method: clinical testing. Allele origin: germline. Inheritance: Autosomal recessive inheritance. Affected: no. Observed: 1 variant allele.

Blueprint Genetics
Classification: Pathogenic for PIGQ-related disorders. Last evaluated: 2024-02-07. Review status: criteria provided, single submitter. Criteria: ACMG Guidelines, 2015. Collection method: clinical testing. Allele origin: germline. Affected: yes. Observed: 2 variant alleles.

Ambry Genetics
Classification: Pathogenic for Inborn genetic diseases. Last evaluated: 2021-02-19. Review status: criteria provided, single submitter. Criteria: Ambry Variant Classification Scheme 2023. Collection method: clinical testing. Allele origin: germline.
Comment: The c.968_969delTG (p.L323Pfs*119) alteration, located in exon 5 (coding exon 4) of the PIGQ gene, consists of a deletion of 2 nucleotides from position 968 to 969, causing a translational frameshift with a predicted alternate stop codon after 119 amino acids. This alteration is expected to result in loss of function by premature protein truncation or nonsense-mediated mRNA decay. Based on data from the Genome Aggregation Database (gnomAD) database, the PIGQ c.968_969delTG alteration was observed in 0.0028% (7/248,014) of total alleles studied, with a frequency of 0.0054% (6/111,750) in the European (non-Finnish) subpopulation. Based on the available evidence, this alteration is classified as pathogenic.

OMIM
Classification: Pathogenic for MULTIPLE CONGENITAL ANOMALIES-HYPOTONIA-SEIZURES SYNDROME 4. Last evaluated: 2020-10-19. Review status: no assertion criteria provided. Collection method: literature only. Allele origin: germline. Not counted in ClinVar's aggregate classification.

Literature cited by the submitters: PubMed 24463883 (cited by Labcorp Genetics (formerly Invitae), Labcorp); PubMed 25558065 (cited by Labcorp Genetics (formerly Invitae), Labcorp); PubMed 31148362 (cited by Labcorp Genetics (formerly Invitae), Labcorp and OMIM).